The following is an entry in ClinVar:

NM_000465.4(BARD1):c.98C>G (p.Ala33Gly)

Gene: BARD1 (BRCA1 associated RING domain 1; minus strand). Cytogenetic location: 2q35.
Variant type: single nucleotide variant.
Coding change: c.98C>G on transcript NM_000465.4 (MANE Select); coding-DNA position 98, C replaced by G.
Protein change: p.Ala33Gly; replaces alanine 33 with glycine.
Molecular consequence: missense variant. On other transcripts: non-coding transcript variant (3).
Genome position (GRCh38, 1-based): chr2:214,809,472, G>C on the plus strand (C>G on the coding strand, the complement: BARD1 is on the minus strand). VCF-style: chr2-214809472-G-C. GRCh37 (hg19) VCF-style: chr2-215674196-G-C.
Other names: c.98C>G (NM_000465.2); c.98C>G, p.Ala33Gly (NM_001282543.2, NM_001282545.2, NM_001282548.2 and 1 more transcripts); short protein forms A33G.
Identifiers: ClinVar variation 629665 (VCV000629665.9), dbSNP rs1559454402, ClinGen allele CA350465042.
Genomic context (GRCh38, chr2:214,809,472, plus strand): 5'-CAACGCGAGCAGCGCAGCAGCTTCTCCAGGCGGTCGAGCGCGGCGCGACTGTGGGCCCAG[G>C]CACCGCGACCATCCGGTTCCATGGCGGGCGCGGAACGAGGCTCGTTCCCGGAGCGGATCC-3'
Protein context (NP_000456.2, residues 23-43): APAMEPDGRG[Ala33Gly]WAHSRAALDR

ClinVar aggregate classification (germline): Uncertain significance. Review status: criteria provided, multiple submitters, no conflicts (2 of 4 stars). 4 submissions from 4 submitters: Uncertain significance (4). Last evaluated 2026-07-06.

Conditions:
Hereditary cancer-predisposing syndrome. Also called: Neoplastic Syndromes, Hereditary; Hereditary Cancer Syndrome; Hereditary neoplastic syndrome; Tumor predisposition. Identifiers: Orphanet 140162, MedGen C0027672, MeSH D009386, MONDO:0015356.
Familial cancer of breast. Also called: hereditary breast carcinoma; BREAST CANCER, FAMILIAL; Hereditary breast cancer. Identifiers: Orphanet 227535, MedGen C0346153, MONDO:0016419, OMIM 114480. Disease mechanism: loss of function.

Submissions (4):

Ambry Genetics
Classification: Uncertain significance for Hereditary cancer-predisposing syndrome. Last evaluated: 2026-07-06. Review status: criteria provided, single submitter. Criteria: Ambry Variant Classification Scheme 2023. Collection method: clinical testing. Allele origin: germline.
Comment: The p.A33G variant (also known as c.98C>G), located in coding exon 1 of the BARD1 gene, results from a C to G substitution at nucleotide position 98. The alanine at codon 33 is replaced by glycine, an amino acid with similar properties. This amino acid position is conserved. In addition, this alteration is predicted to be tolerated by in silico analysis. Based on the available evidence, the clinical significance of this variant remains unclear.

Labcorp Genetics (formerly Invitae), Labcorp
Classification: Uncertain significance for Familial cancer of breast. Last evaluated: 2024-06-17. Review status: criteria provided, single submitter. Criteria: Invitae Variant Classification Sherloc (09022015). Collection method: clinical testing. Allele origin: germline.
Comment: This sequence change replaces alanine, which is neutral and non-polar, with glycine, which is neutral and non-polar, at codon 33 of the BARD1 protein (p.Ala33Gly). This variant is not present in population databases (gnomAD no frequency). This variant has not been reported in the literature in individuals affected with BARD1-related conditions. ClinVar contains an entry for this variant (Variation ID: 629665). An algorithm developed to predict the effect of missense changes on protein structure and function (PolyPhen-2) suggests that this variant is likely to be tolerated. In summary, the available evidence is currently insufficient to determine the role of this variant in disease. Therefore, it has been classified as a Variant of Uncertain Significance.

Color Diagnostics, LLC DBA Color Health
Classification: Uncertain significance for Hereditary cancer-predisposing syndrome. Last evaluated: 2023-12-04. Review status: criteria provided, single submitter. Criteria: ACMG Guidelines, 2015. Collection method: clinical testing. Allele origin: germline.
Comment: This missense variant replaces alanine with glycine at codon 33 of the BARD1 protein. Computational prediction suggests that this variant may not impact protein structure and function (internally defined REVEL score threshold <= 0.5, PMID: 27666373). To our knowledge, functional studies have not been reported for this variant. This variant has not been reported in individuals affected with BARD1-related disorders in the literature. This variant has not been identified in the general population by the Genome Aggregation Database (gnomAD). The available evidence is insufficient to determine the role of this variant in disease conclusively. Therefore, this variant is classified as a Variant of Uncertain Significance.

GeneDx
Classification: Uncertain significance. Last evaluated: 2022-06-07. Review status: criteria provided, single submitter. Criteria: GeneDx Variant Classification Process June 2021. Collection method: clinical testing. Allele origin: germline. Affected: yes.
Comment: Not observed at significant frequency in large population cohorts (gnomAD); In silico analysis supports that this missense variant does not alter protein structure/function; Has not been previously published as pathogenic or benign to our knowledge; This variant is associated with the following publications: (PMID: 18480049)